The following is an entry in ClinVar:

ClinVar aggregate classification (germline): Pathogenic/Likely pathogenic. Review status: criteria provided, multiple submitters, no conflicts (2 of 4 stars). 8 submissions from 8 submitters: Pathogenic (2); Likely pathogenic (5). 1 of the submissions does not count toward it. Last evaluated 2026-09-27.

Conditions:
Long chain 3-hydroxyacyl-CoA dehydrogenase deficiency. Also called: LCHAD Deficiency; Deficiency of long-chain 3-hydroxyacyl-coenzyme A dehydrogenase. Identifiers: Orphanet 5, MedGen C3711645, MONDO:0012173, OMIM 609016.
Mitochondrial trifunctional protein deficiency 1 (MTPD1). Identifiers: MedGen CN376812, MONDO:0958181, OMIM 609015.
Mitochondrial trifunctional protein deficiency. Identifiers: Orphanet 746, MedGen C1969443, MONDO:0012172.

Allele frequency attached by ClinVar (database versions not stated): gnomAD exomes 0.00004; ExAC 0.00005; TOPMed 0.00003; ESP Exome Variant Server 0.00008; gnomAD 0.00004.
gnomAD v4.1: 45 of 1,588,036 alleles (0.0028%); highest among the groups gnomAD compares: Non-Finnish European, 0.0037%; no homozygotes.

Submissions (8):

GeneDx
Classification: Likely pathogenic. Last evaluated: 2026-09-27. Review status: criteria provided, single submitter. Criteria: GeneDx Variant Classification Process June 2021. Collection method: clinical testing. Allele origin: germline.
Comment: Has been reported with another HADHA variant in a patient with a slowly progressive sensorimotor polyneuropathy with muscle weakness; this patient had decreased LCHAD and LKAT activities in fibroblasts (PMID: 15902556); Canonical splice site variant predicted to result in an in-frame loss of the adjacent exon in a gene for which loss of function is a known mechanism of disease; Not observed at significant frequency in large population cohorts (gnomAD); This variant is associated with the following publications: (PMID: 21549624, 25087612, 25525159, 32778825, 15902556, 39686973, 40790338, 39088276, 38623632)

Labcorp Genetics (formerly Invitae), Labcorp
Classification: Likely pathogenic for Mitochondrial trifunctional protein deficiency; Long chain 3-hydroxyacyl-CoA dehydrogenase deficiency. Last evaluated: 2026-01-09. Review status: criteria provided, single submitter. Criteria: Invitae Variant Classification Sherloc (09022015). Collection method: clinical testing. Allele origin: germline.
Comment: This sequence change affects an acceptor splice site in intron 9 of the HADHA gene. It is expected to disrupt RNA splicing. Variants that disrupt the donor or acceptor splice site typically lead to a loss of protein function (PMID: 16199547), and loss-of-function variants in HADHA are known to be pathogenic (PMID: 7738175, 21103935, 21549624, 22459206). This variant is present in population databases (rs200017313, gnomAD 0.009%). Disruption of this splice site has been observed in individual(s) with clinical features of trifunctional protein deficiency (PMID: 25087612, 38623632). ClinVar contains an entry for this variant (Variation ID: 193564). Algorithms developed to predict the effect of sequence changes on RNA splicing suggest that this variant may disrupt the consensus splice site. In summary, the currently available evidence indicates that the variant is pathogenic, but additional data are needed to prove that conclusively. Therefore, this variant has been classified as Likely Pathogenic.

Natera, Inc.
Classification: Likely pathogenic for Deficiency of long-chain 3-hydroxyacyl-coenzyme A dehydrogenase. Last evaluated: 2025-02-13. Review status: criteria provided, single submitter. Criteria: Natera Variant Classification Schema (03/2026). Collection method: clinical testing. Allele origin: germline.
Comment: The c.919-2A>G variant in HADHA is a canonical splice acceptor site variant predicted to affect pre-mRNA splicing, which may result in an abnormal transcript and altered protein product. This variant may result in a truncated or dysfunctional protein product. This variant is rare in the general population with a frequency below the threshold expected for the associated phenotype(s). This variant has been observed in one or more individuals affected with the associated recessive disease, as either homozygous or compound heterozygous with a second variant (PMID: 38623632, 39088276). Given the available evidence, this variant is classified as Likely Pathogenic.

Fulgent Genetics
Classification: Likely pathogenic for Mitochondrial trifunctional protein deficiency 1; Long chain 3-hydroxyacyl-CoA dehydrogenase deficiency. Last evaluated: 2024-03-25. Review status: criteria provided, single submitter. Criteria: ACMG Guidelines, 2015. Collection method: clinical testing. Allele origin: germline.

Baylor Genetics
Classification: Pathogenic for Long chain 3-hydroxyacyl-CoA dehydrogenase deficiency. Last evaluated: 2024-02-10. Review status: criteria provided, single submitter. Criteria: ACMG Guidelines, 2015. Collection method: clinical testing. Allele origin: unknown.

Women's Health and Genetics/Laboratory Corporation of America, LabCorp
Classification: Likely pathogenic for Long chain 3-hydroxyacyl-CoA dehydrogenase deficiency. Last evaluated: 2022-06-24. Review status: criteria provided, single submitter. Criteria: LabCorp Variant Classification Summary - May 2015. Collection method: clinical testing. Allele origin: germline.
Comment: Variant summary: HADHA c.919-2A>G is located in a canonical splice-site and is predicted to affect mRNA splicing resulting in a significantly altered protein due to either exon skipping, shortening, or inclusion of intronic material. Several computational tools predict a significant impact on normal splicing: Five predict the variant abolishes a 3 acceptor site. However, these predictions have yet to be confirmed by functional studies. The variant allele was found at a frequency of 4e-05 in 251358 control chromosomes (gnomAD). This frequency is not significantly higher than expected for a pathogenic variant in HADHA causing Long Chain 3-Hydroxyacyl-CoA Dehydrogenase Deficiency (4e-05 vs 0.0019), allowing no conclusion about variant significance. The variant, c.919-2A>G, has been reported in the literature in individuals affected with Long Chain 3-Hydroxyacyl-CoA Dehydrogenase Deficiency or Inborn Errors of Metabolism (Olpin_2005, Adhikari_2020). To our knowledge, no experimental evidence demonstrating an impact on protein function has been reported. Three ClinVar submitters (evaluation after 2014) cite the variant as pathogenic (n=1) and likely pathogenic (n=2). Based on the evidence outlined above, the variant was classified as likely pathogenic.

Eurofins Ntd Llc (ga)
Classification: Pathogenic. Last evaluated: 2014-11-24. Review status: criteria provided, single submitter. Criteria: EGL Classification Definitions 2015. Collection method: clinical testing. Allele origin: germline. Observed: 2 variant alleles, 2 heterozygotes.

Counsyl
Classification: Likely pathogenic for Long chain 3-hydroxyacyl-CoA dehydrogenase deficiency. Last evaluated: 2016-01-12. Review status: no assertion criteria provided. Collection method: clinical testing. Allele origin: unknown. Not counted in ClinVar's aggregate classification.

Literature cited by the submitters: PubMed 16199547 (cited by Labcorp Genetics (formerly Invitae), Labcorp); PubMed 7738175 (cited by Labcorp Genetics (formerly Invitae), Labcorp); PubMed 21103935 (cited by Labcorp Genetics (formerly Invitae), Labcorp); PubMed 21549624 (cited by Labcorp Genetics (formerly Invitae), Labcorp); PubMed 22459206 (cited by Labcorp Genetics (formerly Invitae), Labcorp); PubMed 25087612 (cited by Labcorp Genetics (formerly Invitae), Labcorp); PubMed 38623632 (cited by Labcorp Genetics (formerly Invitae), Labcorp and Natera, Inc.); PubMed 39088276 (cited by Natera, Inc.); PubMed 15902556 (cited by 3 submitters); PubMed 32778825 (cited by Women's Health and Genetics/Laboratory Corporation of America, LabCorp).

NM_000182.5(HADHA):c.919-2A>G

Gene: HADHA (hydroxyacyl-CoA dehydrogenase trifunctional multienzyme complex subunit alpha; minus strand). Cytogenetic location: 2p23.3.
Variant type: single nucleotide variant.
Coding change: c.919-2A>G on transcript NM_000182.5 (MANE Select); the canonical splice acceptor site of the intron before coding-DNA position 919, A replaced by G.
Molecular consequence: splice acceptor variant.
Genome position (GRCh38, 1-based): chr2:26,212,628, T>C on the plus strand (A>G on the coding strand, the complement: HADHA is on the minus strand). VCF-style: chr2-26212628-T-C. GRCh37 (hg19) VCF-style: chr2-26435497-T-C.
Identifiers: ClinVar variation 193564 (VCV000193564.27), dbSNP rs200017313, ClinGen allele CA200659.
Genomic context (GRCh38, chr2:26,212,628, plus strand): 5'-ACCTGAGATTCACAGAGATAACCGGCATCACTCCCTTGCTCAATTCCAGTCTTTACCACC[T>C]AAAAAACATATAAAGCACTTGCTCAGCGTTGGAATAGATTGGCGAGATGTACAATAATGC-3'